The following is an entry in ClinVar:

NM_001401501.2(MUC16):c.10495A>C (p.Thr3499Pro)

Gene: MUC16 (mucin 16, cell surface associated; minus strand). Cytogenetic location: 19p13.2.
Variant type: single nucleotide variant.
Coding change: c.10495A>C on transcript NM_001401501.2 (MANE Select); coding-DNA position 10495, A replaced by C.
Protein change: p.Thr3499Pro; replaces threonine 3499 with proline.
Molecular consequence: missense variant.
Genome position (GRCh38, 1-based): chr19:8,966,395, T>G on the plus strand (A>C on the coding strand, the complement: MUC16 is on the minus strand). VCF-style: chr19-8966395-T-G. GRCh37 (hg19) VCF-style: chr19-9077071-T-G.
Other names: c.10921A>C, p.Thr3641Pro (NM_001414686.1); c.10375A>C, p.Thr3459Pro (NM_001414687.1, NM_024690.2); short protein forms T3459P, T3499P, T3641P.
Identifiers: ClinVar variation 3041655 (VCV003041655.2), dbSNP rs142874874, ClinGen allele CA9171478.

ClinVar aggregate classification (germline): Benign (0 of 4 stars; one submission).

Conditions:
MUC16-related disorder. Also called: MUC16-related condition.

Allele frequency attached by ClinVar (database versions not stated): gnomAD exomes 0.00032; ExAC 0.00099; gnomAD 0.00319; TOPMed 0.00357; ESP Exome Variant Server 0.00394; 1000 Genomes Project 0.00539; 1000 Genomes Project 30x 0.00562.

Submission:

PreventionGenetics, part of Exact Sciences
Classification: Benign for MUC16-related condition. Last evaluated: 2019-05-31. Review status: no assertion criteria provided. Collection method: clinical testing. Allele origin: germline.
Comment: This variant is classified as benign based on ACMG/AMP sequence variant interpretation guidelines (Richards et al. 2015 PMID: 25741868, with internal and published modifications).